The following is an entry in ClinVar:

NM_139321.3(ATRN):c.3928T>A (p.Ser1310Thr)

Gene: ATRN (attractin; plus strand). Cytogenetic location: 20p13.
Variant type: single nucleotide variant.
Coding change: c.3928T>A on transcript NM_139321.3 (MANE Select); coding-DNA position 3928, T replaced by A.
Protein change: p.Ser1310Thr; replaces serine 1310 with threonine.
Molecular consequence: missense variant.
Genome position (GRCh38, 1-based): chr20:3,634,375, T>A. VCF-style: chr20-3634375-T-A. GRCh37 (hg19) VCF-style: chr20-3615022-T-A.
Other names: short protein forms S1310T.
Identifiers: ClinVar variation 4808558 (VCV004808558.1).

ClinVar aggregate classification (germline): Uncertain significance (1 of 4 stars; one submission).

gnomAD v4.1: 1 of 1,612,930 alleles (0.000062%); highest among the groups gnomAD compares: Non-Finnish European, 0.000085%; no homozygotes.

Submission:

Labcorp Genetics (formerly Invitae), Labcorp
Classification: Uncertain significance. Last evaluated: 2025-11-12. Review status: criteria provided, single submitter. Criteria: Invitae Variant Classification Sherloc (09022015). Collection method: clinical testing. Allele origin: germline.
Comment: This sequence change replaces serine, which is neutral and polar, with threonine, which is neutral and polar, at codon 1310 of the ATRN protein (p.Ser1310Thr). This variant is not present in population databases (gnomAD no frequency). This variant has not been reported in the literature in individuals affected with ATRN-related conditions. An algorithm developed to predict the effect of missense changes on protein structure and function (PolyPhen-2) suggests that this variant is likely to be tolerated. In summary, the available evidence is currently insufficient to determine the role of this variant in disease. Therefore, it has been classified as a Variant of Uncertain Significance.